The following is an entry in ClinVar:

ClinVar aggregate classification (germline): Uncertain significance (1 of 4 stars; one submission).

Conditions:
Hereditary cancer-predisposing syndrome. Also called: Neoplastic Syndromes, Hereditary; Hereditary Cancer Syndrome; Hereditary neoplastic syndrome; Tumor predisposition. Identifiers: Orphanet 140162, MedGen C0027672, MeSH D009386, MONDO:0015356.

Submission:

Ambry Genetics
Classification: Uncertain significance for Hereditary cancer-predisposing syndrome. Last evaluated: 2023-06-09. Review status: criteria provided, single submitter. Criteria: Ambry Variant Classification Scheme 2023. Collection method: clinical testing. Allele origin: germline.
Comment: The p.T671K variant (also known as c.2012C>A), located in coding exon 12 of the PMS2 gene, results from a C to A substitution at nucleotide position 2012. The threonine at codon 671 is replaced by lysine, an amino acid with similar properties. This amino acid position is conserved. In addition, the in silico prediction for this alteration is inconclusive. Since supporting evidence is limited at this time, the clinical significance of this alteration remains unclear.

NM_000535.7(PMS2):c.2012C>A (p.Thr671Lys)

Gene: PMS2 (PMS1 homolog 2, mismatch repair system component; minus strand). Cytogenetic location: 7p22.1.
Variant type: single nucleotide variant.
Coding change: c.2012C>A on transcript NM_000535.7 (MANE Select); coding-DNA position 2012, C replaced by A.
Protein change: p.Thr671Lys; replaces threonine 671 with lysine.
Molecular consequence: missense variant. On other transcripts: non-coding transcript variant (1), intron variant (4).
Genome position (GRCh38, 1-based): chr7:5,982,986, G>T on the plus strand (C>A on the coding strand, the complement: PMS2 is on the minus strand). VCF-style: chr7-5982986-G-T. GRCh37 (hg19) VCF-style: chr7-6022617-G-T.
Other names: c.1607C>A, p.Thr536Lys (NM_001406887.1, NM_001406888.1, NM_001406889.1 and 15 more transcripts); c.1547C>A, p.Thr516Lys (NM_001406900.1); c.1538C>A, p.Thr513Lys (NM_001406901.1, NM_001406902.1); c.1499C>A, p.Thr500Lys (NM_001406904.1, NM_001406905.1); c.1451C>A, p.Thr484Lys (NM_001406906.1, NM_001406907.1, NM_001322010.2); c.1439C>A, p.Thr480Lys (NM_001406909.1, NM_001322013.2); c.1241C>A, p.Thr414Lys (NM_001406911.1); c.809C>A, p.Thr270Lys (NM_001406912.1); and 16 more; short protein forms T484K, T536K, T565K, T615K, T671K, T480K, T500K, T516K.
Identifiers: ClinVar variation 2560974 (VCV002560974.2), dbSNP rs587780046, ClinGen allele CA366738189.